The following is an entry in ClinVar:

ClinVar aggregate classification (germline): Pathogenic. Review status: criteria provided, multiple submitters, no conflicts (2 of 4 stars). 6 submissions from 6 submitters: Pathogenic (4). 2 of the submissions do not count toward it. Last evaluated 2025-07-31.

Conditions:
RS1-related disorder. Also called: RS1-related condition.
Juvenile retinoschisis (RS1). Also called: X-Linked Juvenile Retinoschisis; X-linked retinoschisis. Identifiers: Orphanet 792, MedGen C3714753, MONDO:0010725, OMIM 312700.

Allele frequency attached by ClinVar (database versions not stated): gnomAD exomes 0.00002; ExAC 0.00001.
gnomAD v4.1: 10 of 1,211,119 alleles (0.00083%); highest among the groups gnomAD compares: Non-Finnish European, 0.00011%; no homozygotes.

Submissions (6):

Labcorp Genetics (formerly Invitae), Labcorp
Classification: Pathogenic. Last evaluated: 2025-07-31. Review status: criteria provided, single submitter. Criteria: Invitae Variant Classification Sherloc (09022015). Collection method: clinical testing. Allele origin: germline.
Comment: This sequence change replaces glycine, which is neutral and non-polar, with arginine, which is basic and polar, at codon 109 of the RS1 protein (p.Gly109Arg). This variant is present in population databases (rs104894934, gnomAD 0.02%). This missense change has been observed in individuals with retinoschisis (PMID: 9326935, 31087526). ClinVar contains an entry for this variant (Variation ID: 9891). An algorithm developed to predict the effect of missense changes on protein structure and function (PolyPhen-2) suggests that this variant is likely to be disruptive. Experimental studies have shown that this missense change affects RS1 function (PMID: 12417531). For these reasons, this variant has been classified as Pathogenic.

Blueprint Genetics
Classification: Pathogenic for RS1-related disorders. Last evaluated: 2023-07-05. Review status: criteria provided, single submitter. Criteria: ACMG Guidelines, 2015. Collection method: clinical testing. Allele origin: germline. Affected: yes. Observed: 5 variant alleles.

GeneDx
Classification: Pathogenic. Last evaluated: 2019-01-03. Review status: criteria provided, single submitter. Criteria: GeneDx Variant Classification (06012015). Collection method: clinical testing. Allele origin: germline. Affected: yes.
Comment: The G109R variant has been report in association with X-linked juvenile retinoschisis (Huopaniemi et al., 1999; Sauer et al., 1997). In vitro functional studies demonstrated that the presence of the G109R variant resulted in no secretion of the RS1 protein and intracellular retention of the protein (Wang et al., 2002). The G109R variant was not observed in approximately 6,500 individuals of European and African American ancestry in the NHLBI Exome Sequencing Project, indicating it is not a common benign variant in these populations. The G109R variant is a non-conservative amino acid substitution, which is likely to impact secondary protein structure as these residues differ in polarity, charge, size and/or other properties. This substitution occurs at a position that is conserved across species. Therefore, G109R is interpreted to be a pathogenic variant.

CeGaT Center for Human Genetics Tuebingen
Classification: Pathogenic. Last evaluated: 2018-12-01. Review status: criteria provided, single submitter. Criteria: CeGaT Center For Human Genetics Tuebingen Variant Classification Criteria Version 2. Collection method: clinical testing. Allele origin: germline. Affected: yes. Observed: 1 variant allele.

OMIM
Classification: Pathogenic for RETINOSCHISIS 1, X-LINKED, JUVENILE. Last evaluated: 1999-04-01. Review status: no assertion criteria provided. Collection method: literature only. Allele origin: germline. Not counted in ClinVar's aggregate classification.

Retina International
No classification provided. Review status: no classification provided. Collection method: not provided. Allele origin: unknown. Not counted in ClinVar's aggregate classification.

Literature cited by the submitters: PubMed 9326935 (cited by Labcorp Genetics (formerly Invitae), Labcorp); PubMed 31087526 (cited by Labcorp Genetics (formerly Invitae), Labcorp); PubMed 12417531 (cited by Labcorp Genetics (formerly Invitae), Labcorp); PubMed 10234514 (cited by OMIM).

NM_000330.4(RS1):c.325G>C (p.Gly109Arg)

Genes: CDKL5 (cyclin dependent kinase like 5; plus strand), RS1 (retinoschisin 1; minus strand). Cytogenetic location: Xp22.13.
Variant type: single nucleotide variant.
Coding change: c.325G>C on transcript NM_000330.4 (MANE Select); coding-DNA position 325, G replaced by C.
Protein change: p.Gly109Arg; replaces glycine 109 with arginine.
Molecular consequence: missense variant. On other transcripts: intron variant (2).
Genome position (GRCh38, 1-based): chrX:18,647,192, C>G on the plus strand (G>C on the coding strand, the complement: RS1 is on the minus strand). VCF-style: chrX-18647192-C-G. GRCh37 (hg19) VCF-style: chrX-18665312-C-G.
Other names: c.2797+1102C>G (NM_003159.3, NM_001037343.2); short protein forms G109R.
Identifiers: ClinVar variation 9891 (VCV000009891.48), dbSNP rs104894934, ClinGen allele CA226679.